The following is an entry in ClinVar:

NM_000548.5(TSC2):c.1820C>G (p.Ala607Gly)

Gene: TSC2 (TSC complex subunit 2; plus strand). Cytogenetic location: 16p13.3.
Variant type: single nucleotide variant.
Coding change: c.1820C>G on transcript NM_000548.5 (MANE Select); coding-DNA position 1820, C replaced by G.
Protein change: p.Ala607Gly; replaces alanine 607 with glycine.
Molecular consequence: missense variant.
Genome position (GRCh38, 1-based): chr16:2,070,559, C>G. VCF-style: chr16-2070559-C-G. GRCh37 (hg19) VCF-style: chr16-2120560-C-G.
Other names: c.1820C>G, p.Ala607Gly (NM_001370404.1, NM_001370405.1, NM_021055.3 and 3 more transcripts); c.1820C>G (NM_000548.3); c.1709C>G, p.Ala570Gly (NM_001318827.2); c.1673C>G, p.Ala558Gly (NM_001318829.2); c.1220C>G, p.Ala407Gly (NM_001318831.2); c.1853C>G, p.Ala618Gly (NM_001318832.2); short protein forms A407G, A558G, A607G, A570G, A618G.
Identifiers: ClinVar variation 1386739 (VCV001386739.10), dbSNP rs397515296, ClinGen allele CA394272985.

ClinVar aggregate classification (germline): Conflicting classifications of pathogenicity. Review status: criteria provided, conflicting classifications (1 of 4 stars). 3 submissions from 3 submitters: Uncertain significance (2); Benign (1). Last evaluated 2024-10-30.

Conditions:
Hereditary cancer-predisposing syndrome. Also called: Tumor predisposition; Hereditary neoplastic syndrome; Neoplastic Syndromes, Hereditary; Hereditary Cancer Syndrome. Identifiers: Orphanet 140162, MedGen C0027672, MeSH D009386, MONDO:0015356.
Tuberous sclerosis 2 (TSC2). Identifiers: Orphanet 805, MedGen C1860707, MONDO:0013199, OMIM 613254.

gnomAD v4.1: 1 of 1,613,168 alleles (0.000062%); highest among the groups gnomAD compares: South Asian, 0.0011%; no homozygotes.

Submissions (3):

Athena Diagnostics
Classification: Uncertain significance. Last evaluated: 2024-10-30. Review status: criteria provided, single submitter. Criteria: Athena Diagnostics Criteria. Collection method: clinical testing. Allele origin: unknown.
Comment: Available data are insufficient to determine the clinical significance of the variant at this time. The frequency of this variant in the general population is uninformative in assessment of its pathogenicity. Polyphen and MutationTaster predict this amino acid change may be damaging to the protein.

Ambry Genetics
Classification: Uncertain significance for Hereditary cancer-predisposing syndrome. Last evaluated: 2024-08-22. Review status: criteria provided, single submitter. Criteria: Ambry Variant Classification Scheme 2023. Collection method: clinical testing. Allele origin: germline.
Comment: The p.A607G variant (also known as c.1820C>G), located in coding exon 16 of the TSC2 gene, results from a C to G substitution at nucleotide position 1820. The alanine at codon 607 is replaced by glycine, an amino acid with similar properties. This amino acid position is highly conserved in available vertebrate species. In addition, this alteration is predicted to be deleterious by in silico analysis. Based on the available evidence, the clinical significance of this variant remains unclear.

Labcorp Genetics (formerly Invitae), Labcorp
Classification: Benign for Tuberous sclerosis 2. Last evaluated: 2022-12-06. Review status: criteria provided, single submitter. Criteria: Invitae Variant Classification Sherloc (09022015). Collection method: clinical testing. Allele origin: germline.